The following is an entry in ClinVar:

NM_000400.4(ERCC2):c.950-13C>T

Gene: ERCC2 (ERCC excision repair 2, TFIIH core complex helicase subunit; minus strand). Cytogenetic location: 19q13.32.
Variant type: single nucleotide variant.
Coding change: c.950-13C>T on transcript NM_000400.4 (MANE Select); 13 bases into the intron before coding-DNA position 950, C replaced by T.
Molecular consequence: intron variant.
Genome position (GRCh38, 1-based): chr19:45,363,924, G>A on the plus strand (C>T on the coding strand, the complement: ERCC2 is on the minus strand). VCF-style: chr19-45363924-G-A. GRCh37 (hg19) VCF-style: chr19-45867182-G-A.
Other names: c.878-13C>T (NM_001130867.2).
Identifiers: ClinVar variation 391341 (VCV000391341.4), dbSNP rs886054498, ClinGen allele CA16608268.

ClinVar aggregate classification (germline): Likely benign. Review status: criteria provided, multiple submitters, no conflicts (2 of 4 stars). 2 submissions from 2 submitters: Likely benign (2). Last evaluated 2024-06-09.

Allele frequency attached by ClinVar (database versions not stated): gnomAD 0.00001; TOPMed 0.00002.
gnomAD v4.1: 11 of 1,539,080 alleles (0.00071%); highest among the groups gnomAD compares: East Asian, 0.0073%; no homozygotes.

Submissions (2):

Labcorp Genetics (formerly Invitae), Labcorp
Classification: Likely benign. Last evaluated: 2024-06-09. Review status: criteria provided, single submitter. Criteria: Invitae Variant Classification Sherloc (09022015). Collection method: clinical testing. Allele origin: germline.

GeneDx
Classification: Likely benign. Last evaluated: 2016-12-13. Review status: criteria provided, single submitter. Criteria: GeneDx Variant Classification (06012015). Collection method: clinical testing. Allele origin: germline. Affected: yes.
Comment: This variant is considered likely benign or benign based on one or more of the following criteria: it is a conservative change, it occurs at a poorly conserved position in the protein, it is predicted to be benign by multiple in silico algorithms, and/or has population frequency not consistent with disease.